The following is an entry in ClinVar:

ClinVar aggregate classification (germline): Benign/Likely benign. Review status: criteria provided, multiple submitters, no conflicts (2 of 4 stars). 5 submissions from 5 submitters: Benign (1); Likely benign (4). Last evaluated 2025-12-08.

Conditions:
Familial cancer of breast. Also called: BREAST CANCER, FAMILIAL; hereditary breast carcinoma; Hereditary breast cancer. Identifiers: Orphanet 227535, MedGen C0346153, MONDO:0016419, OMIM 114480. Disease mechanism: loss of function.
Hereditary cancer-predisposing syndrome. Also called: Neoplastic Syndromes, Hereditary; Hereditary neoplastic syndrome; Tumor predisposition; Hereditary Cancer Syndrome. Identifiers: Orphanet 140162, MedGen C0027672, MeSH D009386, MONDO:0015356.
Fanconi anemia complementation group J. Also called: BRIP1-Related Fanconi Anemia. Identifiers: Orphanet 84, MedGen C1836860, MONDO:0012187, OMIM 609054.

Allele frequency attached by ClinVar (database versions not stated): TOPMed below 0.00001; gnomAD 0.00001.
gnomAD v4.1: 2 of 1,613,598 alleles (0.00012%); highest among the groups gnomAD compares: East Asian, 0.0045%; no homozygotes.

Submissions (5):

Labcorp Genetics (formerly Invitae), Labcorp
Classification: Likely benign for Familial cancer of breast; Fanconi anemia complementation group J. Last evaluated: 2025-12-08. Review status: criteria provided, single submitter. Criteria: Invitae Variant Classification Sherloc (09022015). Collection method: clinical testing. Allele origin: germline.

Myriad Genetics, Inc.
Classification: Benign for Familial cancer of breast. Last evaluated: 2024-08-21. Review status: criteria provided, single submitter. Criteria: Myriad Autosomal Dominant, Autosomal Recessive and X-Linked Classification Criteria (2023). Collection method: clinical testing. Allele origin: unknown.
Comment: This variant is considered benign. This variant is a silent/synonymous amino acid change and it is not expected to impact splicing.

Sema4
Classification: Likely benign for Hereditary cancer-predisposing syndrome. Last evaluated: 2021-04-14. Review status: criteria provided, single submitter. Criteria: Sema4 Curation Guidelines. Collection method: curation. Allele origin: germline.

Ambry Genetics
Classification: Likely benign for Hereditary cancer-predisposing syndrome. Last evaluated: 2020-09-11. Review status: criteria provided, single submitter. Criteria: Ambry Variant Classification Scheme 2023. Collection method: clinical testing. Allele origin: germline.

Color Diagnostics, LLC DBA Color Health
Classification: Likely benign for Hereditary cancer-predisposing syndrome. Last evaluated: 2019-04-22. Review status: criteria provided, single submitter. Criteria: ACMG Guidelines, 2015. Collection method: clinical testing. Allele origin: germline.

NM_032043.3(BRIP1):c.570A>G (p.Gly190=)

Gene: BRIP1 (BRCA1 interacting DNA helicase 1; minus strand). Cytogenetic location: 17q23.2.
Variant type: single nucleotide variant.
Coding change: c.570A>G on transcript NM_032043.3 (MANE Select); coding-DNA position 570, A replaced by G.
Protein change: p.Gly190=; no amino-acid change (glycine 190 retained).
Molecular consequence: synonymous variant.
Genome position (GRCh38, 1-based): chr17:61,847,158, T>C on the plus strand (A>G on the coding strand, the complement: BRIP1 is on the minus strand). VCF-style: chr17-61847158-T-C. GRCh37 (hg19) VCF-style: chr17-59924519-T-C.
Identifiers: ClinVar variation 530358 (VCV000530358.15), dbSNP rs1368897810, ClinGen allele CA501150639.